The following is an entry in ClinVar:

NM_021831.6(AGBL5):c.718G>A (p.Ala240Thr)

Gene: AGBL5 (AGBL carboxypeptidase 5; plus strand). Cytogenetic location: 2p23.3.
Variant type: single nucleotide variant.
Coding change: c.718G>A on transcript NM_021831.6 (MANE Select); coding-DNA position 718, G replaced by A.
Protein change: p.Ala240Thr; replaces alanine 240 with threonine.
Molecular consequence: missense variant. On other transcripts: non-coding transcript variant (2).
Genome position (GRCh38, 1-based): chr2:27,054,796, G>A. VCF-style: chr2-27054796-G-A. GRCh37 (hg19) VCF-style: chr2-27277664-G-A.
Other names: c.718G>A (NM_021831.5); c.718G>A, p.Ala240Thr (NM_001035507.3); short protein forms A240T.
Identifiers: ClinVar variation 1054751 (VCV001054751.7), dbSNP rs201194808, ClinGen allele CA1567706.

ClinVar aggregate classification (germline): Conflicting classifications of pathogenicity. Review status: criteria provided, conflicting classifications (1 of 4 stars). 2 submissions from 2 submitters: Uncertain significance (1); Likely benign (1). Last evaluated 2025-09-28.

Conditions:
Inborn genetic diseases. Identifiers: MedGen C0950123, MeSH D030342.

Allele frequency attached by ClinVar (database versions not stated): TOPMed 0.00002; 1000 Genomes Project 30x 0.00016; gnomAD 0.00001; ESP Exome Variant Server 0.00008; ExAC 0.00004.
gnomAD v4.1: 57 of 1,612,292 alleles (0.0035%); highest among the groups gnomAD compares: Admixed American, 0.01%; no homozygotes.

Submissions (2):

Ambry Genetics
Classification: Likely benign for Inborn genetic diseases. Last evaluated: 2025-09-28. Review status: criteria provided, single submitter. Criteria: Ambry Variant Classification Scheme 2023. Collection method: clinical testing. Allele origin: germline.

Labcorp Genetics (formerly Invitae), Labcorp
Classification: Uncertain significance. Last evaluated: 2022-08-15. Review status: criteria provided, single submitter. Criteria: Invitae Variant Classification Sherloc (09022015). Collection method: clinical testing. Allele origin: germline.
Comment: This sequence change replaces alanine, which is neutral and non-polar, with threonine, which is neutral and polar, at codon 240 of the AGBL5 protein (p.Ala240Thr). This variant is present in population databases (rs201194808, gnomAD 0.01%). This variant has not been reported in the literature in individuals affected with AGBL5-related conditions. ClinVar contains an entry for this variant (Variation ID: 1054751). Algorithms developed to predict the effect of missense changes on protein structure and function output the following: SIFT: "Tolerated"; PolyPhen-2: "Benign"; Align-GVGD: "Class C0". The threonine amino acid residue is found in multiple mammalian species, which suggests that this missense change does not adversely affect protein function. In summary, the available evidence is currently insufficient to determine the role of this variant in disease. Therefore, it has been classified as a Variant of Uncertain Significance.